The following is an entry in ClinVar:

ClinVar aggregate classification (germline): Uncertain significance (1 of 4 stars; one submission).

Conditions:
Malignant hyperthermia, susceptibility to, 1 (MHS1). Also called: Malignant hyperthermia suceptibility 1; Anesthesia related hyperthermia; Malignant hyperpyrexia; Fulminating hyperpyrexia; Pharmacogenic myopathy; RYR1-Related Malignant Hyperthermia Susceptibility. Identifiers: Orphanet 423, MedGen C2930980, MONDO:0007783, OMIM 145600.

Submission:

Color Diagnostics, LLC DBA Color Health
Classification: Uncertain significance for Malignant hyperthermia, susceptibility to, 1. Last evaluated: 2023-09-06. Review status: criteria provided, single submitter. Criteria: ACMG Guidelines, 2015. Collection method: clinical testing. Allele origin: germline.
Comment: This variant deletes 2 nucleotides in exon 37/106 of the RYR1 gene, creating a frameshift and premature translation stop signal. This variant is expected to result in an absent or non-functional protein product. To our knowledge, this variant has not been reported in individuals affected with RYR1-related disorders in the literature. This variant has not been identified in the general population by the Genome Aggregation Database (gnomAD). Loss of RYR1 function due to truncation variants is not an established disease mechanism for autosomal dominant malignant hyperthermia, although it is associated with other phenotype(s). Due to insufficient evidence, this variant is classified as a Variant of Uncertain Significance for autosomal dominant malignant hyperthermia.

NM_000540.3(RYR1):c.6126_6127del (p.Cys2042fs)

Gene: RYR1 (ryanodine receptor 1; plus strand). Cytogenetic location: 19q13.2.
Variant type: Microsatellite.
Coding change: c.6126_6127del on transcript NM_000540.3 (MANE Select); coding-DNA positions 6126 to 6127, 2 bases deleted (TG; older notation c.6126_6127delTG).
Protein change: p.Cys2042fs; shifts the reading frame from cysteine 2042.
Molecular consequence: frameshift variant.
Genome position (GRCh38, 1-based): chr19:38,490,731-38,490,732, TG deleted; deleting any 2 consecutive bases within chr19:38,490,729-38,490,732 gives the same sequence; the c. name uses the placement nearest the transcript's 3' end. VCF-style (leftmost placement, unchanged base first): chr19-38490728-CTG-C. GRCh37 (hg19) VCF-style: chr19-38981368-CTG-C.
Other names: c.6126_6127del, p.Cys2042fs (NM_001042723.2); short protein forms C2042fs.
Identifiers: ClinVar variation 2774216 (VCV002774216.2), dbSNP rs2514256530, ClinGen allele CA2697556500.